The following is an entry in ClinVar:

ClinVar aggregate classification (germline): Pathogenic/Likely pathogenic. Review status: criteria provided, multiple submitters, no conflicts (2 of 4 stars). 3 submissions from 3 submitters: Pathogenic (1); Likely pathogenic (2). Last evaluated 2024-03-18.

Conditions:
Epidermolysis bullosa, junctional 2A, intermediate. Also called: EPIDERMOLYSIS BULLOSA, JUNCTIONAL 2A, GENERALIZED INTERMEDIATE; EPIDERMOLYSIS BULLOSA, JUNCTIONAL 2A, NON-HERLITZ TYPE. Identifiers: MedGen C5676936, MONDO:0030746, OMIM 619783.
Laryngo-onycho-cutaneous syndrome (JEB2C). Also called: LOGIC SYNDROME; SHABBIR SYNDROME; EPIDERMOLYSIS BULLOSA, JUNCTIONAL 2C, LARYNGOONYCHOCUTANEOUS. Identifiers: Orphanet 2407, MedGen C1328355, MONDO:0009513, OMIM 245660.
Epidermolysis bullosa, junctional 2B, severe. Also called: EPIDERMOLYSIS BULLOSA, JUNCTIONAL 2B, HERLITZ TYPE; EPIDERMOLYSIS BULLOSA, JUNCTIONAL 2B, GENERALIZED SEVERE. Identifiers: MedGen C5676937, MONDO:0030747, OMIM 619784.

Allele frequency attached by ClinVar (database versions not stated): gnomAD exomes below 0.00001.
gnomAD v4.1: 3 of 1,614,102 alleles (0.00019%); highest among the groups gnomAD compares: Non-Finnish European, 0.00025%; no homozygotes.

Submissions (3):

Fulgent Genetics
Classification: Likely pathogenic for Laryngo-onycho-cutaneous syndrome; Epidermolysis bullosa, junctional 2A, intermediate; Epidermolysis bullosa, junctional 2B, severe. Last evaluated: 2024-03-18. Review status: criteria provided, single submitter. Criteria: ACMG Guidelines, 2015. Collection method: clinical testing. Allele origin: germline.

Labcorp Genetics (formerly Invitae), Labcorp
Classification: Pathogenic. Last evaluated: 2022-04-15. Review status: criteria provided, single submitter. Criteria: Invitae Variant Classification Sherloc (09022015). Collection method: clinical testing. Allele origin: germline.
Comment: This sequence change creates a premature translational stop signal (p.Gln1258*) in the LAMA3 gene. It is expected to result in an absent or disrupted protein product. Loss-of-function variants in LAMA3 are known to be pathogenic (PMID: 10366601, 11810295, 12915477, 16473856, 17362460, 22434185, 23869449, 27827380, 28087116). This variant is not present in population databases (gnomAD no frequency). This variant has not been reported in the literature in individuals affected with LAMA3-related conditions. ClinVar contains an entry for this variant (Variation ID: 952726). For these reasons, this variant has been classified as Pathogenic.

Neuberg Centre For Genomic Medicine, NCGM
Classification: Likely pathogenic for Epidermolysis bullosa, junctional 2A, intermediate. Review status: criteria provided, single submitter. Criteria: ACMG Guidelines, 2015. Collection method: clinical testing. Allele origin: germline. Inheritance: Autosomal recessive inheritance. Affected: yes.
Comment: The stop gained c.8599C>Tp.Gln2867Ter variant in LAMA3 has not been reported previously as a pathogenic variant nor a benign variant, to our knowledge. The c.8599C>T variant is novel not in any individuals in gnomAD Exomes and 1000 Genomes. This variant has been reported to the ClinVar database as Pathogenic. The nucleotide change c.8599C>T in LAMA3 is predicted as conserved by GERP++ and PhyloP across 100 vertebrates. This sequence change creates a premature translational stop signal p.Gln1258Ter in the LAMA3 gene. This variant is predicted to cause loss of normal protein function through protein truncation. Loss of function variants in LAMA3 gene have been previously reported to be pathogenic Gostyńska KB, et al., 2016. However, additional functional studies will be required to prove the pathogenicity of this variant. For these reasons, this variant has been classified as Likely Pathogenic.

Literature cited by the submitters: PubMed 10366601 (cited by Labcorp Genetics (formerly Invitae), Labcorp); PubMed 11810295 (cited by Labcorp Genetics (formerly Invitae), Labcorp); PubMed 12915477 (cited by Labcorp Genetics (formerly Invitae), Labcorp); PubMed 16473856 (cited by Labcorp Genetics (formerly Invitae), Labcorp); PubMed 17362460 (cited by Labcorp Genetics (formerly Invitae), Labcorp); PubMed 22434185 (cited by Labcorp Genetics (formerly Invitae), Labcorp); PubMed 23869449 (cited by Labcorp Genetics (formerly Invitae), Labcorp); PubMed 27827380 (cited by Labcorp Genetics (formerly Invitae), Labcorp); PubMed 28087116 (cited by Labcorp Genetics (formerly Invitae), Labcorp).

NM_198129.4(LAMA3):c.8599C>T (p.Gln2867Ter)

Gene: LAMA3 (laminin subunit alpha 3; plus strand). Cytogenetic location: 18q11.2.
Variant type: single nucleotide variant.
Coding change: c.8599C>T on transcript NM_198129.4 (MANE Select); coding-DNA position 8599, C replaced by T.
Protein change: p.Gln2867Ter; replaces glutamine 2867 with a stop codon.
Molecular consequence: nonsense.
Genome position (GRCh38, 1-based): chr18:23,932,182, C>T. VCF-style: chr18-23932182-C-T. GRCh37 (hg19) VCF-style: chr18-21512146-C-T.
Other names: c.3772C>T, p.Gln1258Ter (NM_000227.6); c.8431C>T, p.Gln2811Ter (NM_001127717.4); c.3604C>T, p.Gln1202Ter (NM_001127718.4); short protein forms Q2811*, Q1258*, Q2867*, Q1202*.
Identifiers: ClinVar variation 952726 (VCV000952726.9), dbSNP rs2082180462, ClinGen allele CA402065961.